The following is an entry in ClinVar:

NM_001354604.2(MITF):c.1076A>C (p.Asp359Ala)

Gene: MITF (melanocyte inducing transcription factor; plus strand). Cytogenetic location: 3p13.
Variant type: single nucleotide variant.
Coding change: c.1076A>C on transcript NM_001354604.2 (MANE Select); coding-DNA position 1076, A replaced by C.
Protein change: p.Asp359Ala; replaces aspartic acid 359 with alanine.
Molecular consequence: missense variant.
Genome position (GRCh38, 1-based): chr3:69,959,317, A>C. VCF-style: chr3-69959317-A-C. GRCh37 (hg19) VCF-style: chr3-70008468-A-C.
Other names: c.755A>C, p.Asp252Ala (NM_000248.4); c.902A>C, p.Asp301Ala (NM_001184967.2, NM_001354608.2); c.1073A>C, p.Asp358Ala (NM_001354605.2); c.1055A>C, p.Asp352Ala (NM_001354606.2, NM_006722.3); c.1007A>C, p.Asp336Ala (NM_001354607.2); c.737A>C, p.Asp246Ala (NM_198158.3); c.1058A>C, p.Asp353Ala (NM_198159.3); c.1010A>C, p.Asp337Ala (NM_198177.3); and 1 more; short protein forms D190A, D246A, D252A, D301A, D336A, D337A, D352A, D353A.
Identifiers: ClinVar variation 2430585 (VCV002430585.2), dbSNP rs2471655253, ClinGen allele CA353561969.

ClinVar aggregate classification (germline): Uncertain significance (1 of 4 stars; one submission).

Submission:

GeneDx
Classification: Uncertain significance. Last evaluated: 2023-09-24. Review status: criteria provided, single submitter. Criteria: GeneDx Variant Classification Process June 2021. Collection method: clinical testing. Allele origin: germline.
Comment: Not observed at significant frequency in large population cohorts (gnomAD); In silico analysis supports that this missense variant has a deleterious effect on protein structure/function; Has not been previously published as pathogenic or benign to our knowledge